The following is an entry in ClinVar:

ClinVar aggregate classification (germline): Likely benign (1 of 4 stars; one submission).

Allele frequency attached by ClinVar (database versions not stated): gnomAD exomes 0.00002; gnomAD 0.00003; TOPMed 0.00005.
gnomAD v4.1: 25 of 1,201,766 alleles (0.0021%); highest among the groups gnomAD compares: South Asian, 0.0036%; no homozygotes.

Submission:

CeGaT Center for Human Genetics Tuebingen
Classification: Likely benign. Last evaluated: 2023-12-01. Review status: criteria provided, single submitter. Criteria: CeGaT Center For Human Genetics Tuebingen Variant Classification Criteria Version 2. Collection method: clinical testing. Allele origin: germline. Affected: yes. Observed: 1 variant allele.
Comment: IGSF1: BP4

NM_001555.5(IGSF1):c.373G>T (p.Ala125Ser)

Gene: IGSF1 (immunoglobulin superfamily member 1; minus strand). Cytogenetic location: Xq26.1.
Variant type: single nucleotide variant.
Coding change: c.373G>T on transcript NM_001555.5 (MANE Select); coding-DNA position 373, G replaced by T.
Protein change: p.Ala125Ser; replaces alanine 125 with serine.
Molecular consequence: missense variant.
Genome position (GRCh38, 1-based): chrX:131,285,773, C>A on the plus strand (G>T on the coding strand, the complement: IGSF1 is on the minus strand). VCF-style: chrX-131285773-C-A. GRCh37 (hg19) VCF-style: chrX-130419747-C-A.
Other names: c.373G>T, p.Ala125Ser (NM_001170961.2, NM_001170963.2, NM_205833.4); c.346G>T, p.Ala116Ser (NM_001170962.2); short protein forms A116S, A125S.
Identifiers: ClinVar variation 3025441 (VCV003025441.22), dbSNP rs923537326, ClinGen allele CA335115754.